The following is an entry in ClinVar:

ClinVar aggregate classification (germline): Likely benign. Review status: criteria provided, multiple submitters, no conflicts (2 of 4 stars). 2 submissions from 2 submitters: Likely benign (2). Last evaluated 2025-08-25.

Conditions:
Autosomal dominant childhood-onset proximal spinal muscular atrophy with contractures (SMALED2A). Also called: SPINAL MUSCULAR ATROPHY, LOWER EXTREMITY-PREDOMINANT, 2A, CHILDHOOD ONSET, AUTOSOMAL DOMINANT; Spinal muscular atrophy, lower extremity-predominant, 2A, autosomal dominant. Identifiers: Orphanet 363447, Orphanet 363454, MedGen C4747715, MONDO:0014121, OMIM 615290.

Allele frequency attached by ClinVar (database versions not stated): gnomAD 0.00001 and 0.00002; ExAC 0.00003; gnomAD exomes 0.00003; TOPMed 0.00003; ESP Exome Variant Server 0.00008; 1000 Genomes Project 30x 0.00016; 1000 Genomes Project 0.00020.
gnomAD v4.1: 49 of 1,614,248 alleles (0.003%); highest among the groups gnomAD compares: African/African-American, 0.004%; no homozygotes.

Submissions (2):

Mayo Clinic Laboratories, Mayo Clinic
Classification: Likely benign. Last evaluated: 2025-08-25. Review status: criteria provided, single submitter. Criteria: ACMG Guidelines, 2015. Collection method: clinical testing. Allele origin: germline. Observed: 1 variant allele.
Comment: BP4, BP7

Labcorp Genetics (formerly Invitae), Labcorp
Classification: Likely benign for Autosomal dominant childhood-onset proximal spinal muscular atrophy with contractures. Last evaluated: 2025-06-23. Review status: criteria provided, single submitter. Criteria: Invitae Variant Classification Sherloc (09022015). Collection method: clinical testing. Allele origin: germline.

NM_001003800.2(BICD2):c.369G>A (p.Thr123=)

Gene: BICD2 (BICD cargo adaptor 2; minus strand). Cytogenetic location: 9q22.31.
Variant type: single nucleotide variant.
Coding change: c.369G>A on transcript NM_001003800.2 (MANE Select); coding-DNA position 369, G replaced by A.
Protein change: p.Thr123=; no amino-acid change (threonine 123 retained).
Molecular consequence: synonymous variant.
Genome position (GRCh38, 1-based): chr9:92,729,108, C>T on the plus strand (G>A on the coding strand, the complement: BICD2 is on the minus strand). VCF-style: chr9-92729108-C-T. GRCh37 (hg19) VCF-style: chr9-95491390-C-T.
Other names: p.Thr123=; c.369G>A, p.Thr123= (NM_015250.4).
Identifiers: ClinVar variation 1551744 (VCV001551744.9), dbSNP rs200399010, ClinGen allele CA5126833.